The following is an entry in ClinVar:

ClinVar aggregate classification (germline): Uncertain significance (1 of 4 stars; one submission).

Conditions:
Duchenne muscular dystrophy (DMD). Also called: MUSCULAR DYSTROPHY, PSEUDOHYPERTROPHIC PROGRESSIVE, DUCHENNE TYPE; Duchenne Muscular Dystrophy (DMD). Identifiers: Orphanet 98896, MedGen C0013264, MONDO:0010679, OMIM 310200.

Submission:

Labcorp Genetics (formerly Invitae), Labcorp
Classification: Uncertain significance for Duchenne muscular dystrophy. Last evaluated: 2022-03-26. Review status: criteria provided, single submitter. Criteria: Invitae Variant Classification Sherloc (09022015). Collection method: clinical testing. Allele origin: germline.
Comment: This variant has not been reported in the literature in individuals affected with DMD-related conditions. In summary, the available evidence is currently insufficient to determine the role of this variant in disease. Therefore, it has been classified as a Variant of Uncertain Significance. Algorithms developed to predict the effect of sequence changes on RNA splicing suggest that this variant may disrupt the consensus splice site. This variant is not present in population databases (gnomAD no frequency). This sequence change falls in intron 46 of the DMD gene. It does not directly change the encoded amino acid sequence of the DMD protein.

NM_004006.3(DMD):c.6763-14T>G

Gene: DMD (dystrophin; minus strand). Cytogenetic location: Xp21.1.
Variant type: single nucleotide variant.
Coding change: c.6763-14T>G on transcript NM_004006.3 (MANE Select); 14 bases into the intron before coding-DNA position 6763, T replaced by G.
Molecular consequence: intron variant.
Genome position (GRCh38, 1-based): chrX:31,929,759, A>C on the plus strand (T>G on the coding strand, the complement: DMD is on the minus strand). VCF-style: chrX-31929759-A-C. GRCh37 (hg19) VCF-style: chrX-31947876-A-C.
Other names: c.6739-14T>G (NM_000109.4); c.2740-14T>G (NM_004011.4); c.2731-14T>G (NM_004012.4); c.-618-14T>G (NM_004023.3, NM_004020.4, NM_004022.3 and 2 more transcripts); c.6751-14T>G (NM_004009.3); c.6394-14T>G (NM_004010.3).
Identifiers: ClinVar variation 2117411 (VCV002117411.4), dbSNP rs2533420720, ClinGen allele CA2580100610.
Genomic context (GRCh38, chrX:31,929,759, plus strand): 5'-AATTGTTTGAGAATTCCCTGGCGCAGGGGCAACTCTTCCACCAGTAACTGAAACAGACAA[A>C]TGCAACAACGTTTAAAATGAATTACAGCACAATTCCAACTACCTTGTCTTTGCTTCTATT-3'